The following is an entry in ClinVar:

ClinVar aggregate classification (germline): Pathogenic (1 of 4 stars; one submission).

Conditions:
Retinitis pigmentosa 12 (RP12). Also called: RP WITH OR WITHOUT PPRPE; RP WITH OR WITHOUT PRESERVED PARAARTERIOLE RETINAL PIGMENT EPITHELIUM; RETINITIS PIGMENTOSA WITH OR WITHOUT PARAARTERIOLAR PRESERVATION OF RETINAL PIGMENT EPITHELIUM. Identifiers: Orphanet 791, MedGen C1838647, MONDO:0010818, OMIM 600105.
Leber congenital amaurosis 8 (LCA8). Identifiers: Orphanet 65, MedGen C3151202, MONDO:0013453, OMIM 613835.

Submission:

Labcorp Genetics (formerly Invitae), Labcorp
Classification: Pathogenic for Leber congenital amaurosis 8; Retinitis pigmentosa 12. Last evaluated: 2025-11-24. Review status: criteria provided, single submitter. Criteria: Invitae Variant Classification Sherloc (09022015). Collection method: clinical testing. Allele origin: germline.
Comment: This sequence change creates a premature translational stop signal (p.His447Profs*7) in the CRB1 gene. It is expected to result in an absent or disrupted protein product. Loss-of-function variants in CRB1 are known to be pathogenic (PMID: 10508521, 22065545, 23379534, 25412400, 26957898, 28041643, 29391521). This variant is not present in population databases (gnomAD no frequency). This premature translational stop signal has been observed in individual(s) with inherited retinal diseases (PMID: 38219857). ClinVar contains an entry for this variant (Variation ID: 1426442). For these reasons, this variant has been classified as Pathogenic.

Literature cited by the submitters: PubMed 10508521; PubMed 22065545; PubMed 23379534; PubMed 25412400; PubMed 26957898; PubMed 28041643; PubMed 29391521; PubMed 38219857.

NM_201253.3(CRB1):c.1339dup (p.His447fs)

Gene: CRB1 (crumbs cell polarity complex component 1; plus strand). Cytogenetic location: 1q31.3.
Variant type: Duplication.
Coding change: c.1339dup on transcript NM_201253.3 (MANE Select); coding-DNA position 1339, one base duplicated (C; older notation c.1339dupC).
Protein change: p.His447fs; shifts the reading frame from histidine 447.
Molecular consequence: frameshift variant. On other transcripts: non-coding transcript variant (2).
Genome position (GRCh38, 1-based): chr1:197,421,167, C duplicated; the last of 3 consecutive C bases (chr1:197,421,165-197,421,167); duplicating any one gives the same sequence. VCF-style (leftmost placement, unchanged base first): chr1-197421164-A-AC. GRCh37 (hg19) VCF-style: chr1-197390294-A-AC.
Other names: c.1003dup, p.His335fs (NM_001193640.2); c.1132dup, p.His378fs (NM_001257965.2); c.1339dup, p.His447fs (NM_001257966.2); short protein forms H447fs, H378fs, H335fs.
Identifiers: ClinVar variation 1426442 (VCV001426442.6), dbSNP rs2125469313, ClinGen allele CA2573131433.